The following is an entry in ClinVar:

ClinVar aggregate classification (germline): Uncertain significance (1 of 4 stars; one submission).

Submission:

Women's Health and Genetics/Laboratory Corporation of America, LabCorp
Classification: Uncertain significance. Last evaluated: 2017-08-10. Review status: criteria provided, single submitter. Criteria: LabCorp Variant Classification Summary - May 2015. Collection method: clinical testing. Allele origin: germline.
Comment: Variant summary: The PRKAG2 c.819C>G (p.Ile273Met) variant involves the alteration of a non-conserved nucleotide. 2/4 in silico tools predict a benign outcome for this variant. This variant is absent in 121172 control chromosomes. The variant of interest has not, to our knowledge, been reported in affected individuals via publications and/or reputable databases/clinical diagnostic laboratories; nor evaluated for functional impact by in vivo/vitro studies. Because of the absence of clinical information and the lack of functional studies, the variant is classified as a variant of uncertain significance (VUS).

NM_016203.4(PRKAG2):c.819C>G (p.Ile273Met)

Gene: PRKAG2 (protein kinase AMP-activated non-catalytic subunit gamma 2; minus strand). Cytogenetic location: 7q36.1.
Variant type: single nucleotide variant.
Coding change: c.819C>G on transcript NM_016203.4 (MANE Select); coding-DNA position 819, C replaced by G.
Protein change: p.Ile273Met; replaces isoleucine 273 with methionine.
Molecular consequence: missense variant.
Genome position (GRCh38, 1-based): chr7:151,595,390, G>C on the plus strand (C>G on the coding strand, the complement: PRKAG2 is on the minus strand). VCF-style: chr7-151595390-G-C. GRCh37 (hg19) VCF-style: chr7-151292476-G-C.
Other names: c.687C>G, p.Ile229Met (NM_001040633.2); c.444C>G, p.Ile148Met (NM_001304527.2); c.96C>G, p.Ile32Met (NM_001304531.2, NM_024429.2); c.447C>G, p.Ile149Met (NM_001363698.2); short protein forms I273M, I148M, I149M, I229M, I32M.
Identifiers: ClinVar variation 496440 (VCV000496440.1), dbSNP rs764244463, ClinGen allele CA370069317.